The following is an entry in ClinVar:

ClinVar aggregate classification (germline): Uncertain significance (1 of 4 stars; one submission).

Conditions:
Primary dilated cardiomyopathy (DCM). Also called: Dilated Cardiomyopathy. Identifiers: Orphanet 217604, MedGen C0007193, MeSH D002311, MONDO:0005021, HP:0001644. Inheritance: Various modes of inheritance.

gnomAD v4.1: 1 of 1,613,836 alleles (0.000062%); highest among the groups gnomAD compares: Admixed American, 0.0017%; no homozygotes.

Submission:

Labcorp Genetics (formerly Invitae), Labcorp
Classification: Uncertain significance for Primary dilated cardiomyopathy. Last evaluated: 2025-07-13. Review status: criteria provided, single submitter. Criteria: Invitae Variant Classification Sherloc (09022015). Collection method: clinical testing. Allele origin: germline.
Comment: This sequence change falls in intron 15 of the TXNRD2 gene. It does not directly change the encoded amino acid sequence of the TXNRD2 protein. It affects a nucleotide within the consensus splice site. This variant is present in population databases (no rsID available, gnomAD 0.003%). This variant has not been reported in the literature in individuals affected with TXNRD2-related conditions. Variants that disrupt the consensus splice site are a relatively common cause of aberrant splicing (PMID: 17576681, 9536098). Algorithms developed to predict the effect of sequence changes on RNA splicing suggest that this variant may disrupt the consensus splice site. In summary, the available evidence is currently insufficient to determine the role of this variant in disease. Therefore, it has been classified as a Variant of Uncertain Significance.

Literature cited by the submitters: PubMed 17576681; PubMed 9536098.

NM_006440.5(TXNRD2):c.1347+5G>A

Gene: TXNRD2 (thioredoxin reductase 2; minus strand). Cytogenetic location: 22q11.21.
Variant type: single nucleotide variant.
Coding change: c.1347+5G>A on transcript NM_006440.5 (MANE Select); 5 bases into the intron after coding-DNA position 1347, G replaced by A.
Molecular consequence: intron variant.
Genome position (GRCh38, 1-based): chr22:19,878,361, C>T on the plus strand (G>A on the coding strand, the complement: TXNRD2 is on the minus strand). VCF-style: chr22-19878361-C-T. GRCh37 (hg19) VCF-style: chr22-19865884-C-T.
Other names: c.1344+5G>A (NM_001352300.2); c.1059+5G>A (NM_001352302.2); c.1257+5G>A (NM_001352301.2).
Identifiers: ClinVar variation 4750974 (VCV004750974.1).